The following is an entry in ClinVar:

ClinVar aggregate classification (germline): Benign (1 of 4 stars; one submission).

Allele frequency attached by ClinVar (database versions not stated): gnomAD 0.08952; 1000 Genomes Project 0.10323; TOPMed 0.10323; 1000 Genomes Project 30x 0.10540.

Submission:

GeneDx
Classification: Benign. Last evaluated: 2018-06-14. Review status: criteria provided, single submitter. Criteria: GeneDx Variant Classification (06012015). Collection method: clinical testing. Allele origin: germline. Affected: yes.
Comment: This variant is considered likely benign or benign based on one or more of the following criteria: it is a conservative change, it occurs at a poorly conserved position in the protein, it is predicted to be benign by multiple in silico algorithms, and/or has population frequency not consistent with disease.

NM_000142.5(FGFR3):c.445+158T>C

Gene: FGFR3 (fibroblast growth factor receptor 3; plus strand). Cytogenetic location: 4p16.3.
Variant type: single nucleotide variant.
Coding change: c.445+158T>C on transcript NM_000142.5 (MANE Select); 158 bases into the intron after coding-DNA position 445, T replaced by C.
Molecular consequence: intron variant.
Genome position (GRCh38, 1-based): chr4:1,799,970, T>C. VCF-style: chr4-1799970-T-C. GRCh37 (hg19) VCF-style: chr4-1801697-T-C.
Other names: c.445+158T>C (NM_001163213.2, NM_001354809.2, NM_001354810.2 and 1 more transcripts).
Identifiers: ClinVar variation 672500 (VCV000672500.1), dbSNP rs3135869, ClinGen allele CA16172257.
Genomic context (GRCh38, chr4:1,799,970, plus strand): 5'-AACAACCTCCCTGGGGTCACCCCGAAGGTCTGGTCCCCTCAGGATACAGGAGGGGCTGGG[T>C]CACTGACATGGCTCTAGATGCCCCACCCTGGTGGCAGGGCTGGGGTGCAAGGGGACACCG-3'